The following is an entry in ClinVar:

ClinVar aggregate classification (germline): Uncertain significance. Review status: criteria provided, multiple submitters, no conflicts (2 of 4 stars). 2 submissions from 2 submitters: Uncertain significance (2). Last evaluated 2024-06-17.

Conditions:
Meckel syndrome, type 11 (MKS11). Identifiers: Orphanet 564, MedGen C3809352, MONDO:0014164, OMIM 615397.
Joubert syndrome 20 (JBTS20). Identifiers: Orphanet 475, MedGen C3554235, MONDO:0013994, OMIM 614970.

Allele frequency attached by ClinVar (database versions not stated): gnomAD 0.00002; ExAC 0.00004.
gnomAD v4.1: 38 of 1,454,324 alleles (0.0026%); highest among the groups gnomAD compares: Non-Finnish European, 0.0031%; 1 homozygote.

Submissions (2):

Blueprint Genetics
Classification: Uncertain significance. Last evaluated: 2024-06-17. Review status: criteria provided, single submitter. Criteria: ACMG Guidelines, 2015. Collection method: clinical testing. Allele origin: germline.

Labcorp Genetics (formerly Invitae), Labcorp
Classification: Uncertain significance for Joubert syndrome 20; Meckel syndrome, type 11. Last evaluated: 2021-08-08. Review status: criteria provided, single submitter. Criteria: Invitae Variant Classification Sherloc (09022015). Collection method: clinical testing. Allele origin: germline.
Comment: This sequence change replaces arginine with cysteine at codon 23 of the TMEM231 protein (p.Arg23Cys). The arginine residue is weakly conserved and there is a large physicochemical difference between arginine and cysteine. This variant is present in population databases (rs778298588, ExAC 0.006%). This variant has not been reported in the literature in individuals affected with TMEM231-related conditions. Algorithms developed to predict the effect of missense changes on protein structure and function are either unavailable or do not agree on the potential impact of this missense change (SIFT: "Deleterious"; PolyPhen-2: "Not Available"; Align-GVGD: "Class C0"). In summary, the available evidence is currently insufficient to determine the role of this variant in disease. Therefore, it has been classified as a Variant of Uncertain Significance.

NM_001077418.3(TMEM231):c.5C>T (p.Ala2Val)

Gene: TMEM231 (transmembrane protein 231; minus strand). Cytogenetic location: 16q23.1.
Variant type: single nucleotide variant.
Coding change: c.5C>T on transcript NM_001077418.3 (MANE Select); coding-DNA position 5, C replaced by T.
Protein change: p.Ala2Val; replaces alanine 2 with valine.
Molecular consequence: missense variant. On other transcripts: non-coding transcript variant (1).
Genome position (GRCh38, 1-based): chr16:75,556,205, G>A on the plus strand (C>T on the coding strand, the complement: TMEM231 is on the minus strand). VCF-style: chr16-75556205-G-A. GRCh37 (hg19) VCF-style: chr16-75590103-G-A.
Other names: c.67C>T, p.Arg23Cys (NM_001077416.2); short protein forms A2V, R23C.
Identifiers: ClinVar variation 1377433 (VCV001377433.4), dbSNP rs778298588, ClinGen allele CA8176322.